The following is an entry in ClinVar:

ClinVar aggregate classification (germline): Uncertain significance (1 of 4 stars; one submission).

Submission:

GeneDx
Classification: Uncertain significance. Last evaluated: 2022-01-28. Review status: criteria provided, single submitter. Criteria: GeneDx Variant Classification Process June 2021. Collection method: clinical testing. Allele origin: germline. Affected: yes.
Comment: Not observed at significant frequency in large population cohorts (gnomAD); In silico analysis supports that this missense variant has a deleterious effect on protein structure/function; Has not been previously published as pathogenic or benign to our knowledge

NM_015330.6(SPECC1L):c.2167G>T (p.Asp723Tyr)

Genes: SPECC1L (sperm antigen with calponin homology and coiled-coil domains 1 like; plus strand), SPECC1L-ADORA2A (SPECC1L-ADORA2A readthrough (NMD candidate); plus strand). Cytogenetic location: 22q11.23.
Variant type: single nucleotide variant.
Coding change: c.2167G>T on transcript NM_015330.6 (MANE Select); coding-DNA position 2167, G replaced by T.
Protein change: p.Asp723Tyr; replaces aspartic acid 723 with tyrosine.
Molecular consequence: missense variant. On other transcripts: non-coding transcript variant (1).
Genome position (GRCh38, 1-based): chr22:24,328,866, G>T. VCF-style: chr22-24328866-G-T. GRCh37 (hg19) VCF-style: chr22-24724834-G-T.
Other names: c.2167G>T, p.Asp723Tyr (NM_001145468.4, NM_001254732.3); short protein forms D723Y.
Identifiers: ClinVar variation 1699750 (VCV001699750.2), dbSNP rs2146502932, ClinGen allele CA410974531.
Genomic context (GRCh38, chr22:24,328,866, plus strand): 5'-GTTGTGAGAATAGATATTTAAACTTTGGTGATCTTTTCAGATACAGTTAAAAAACTCCAG[G>T]ACCAAAAGCACGACATGGAAAGAGAAATAAAGACACTCCACAGAAGACTTCGGGTAGGAT-3'
Protein context (NP_056145.5, residues 713-733): DLENTVKKLQ[Asp723Tyr]QKHDMEREIK